The following is an entry in ClinVar:

ClinVar aggregate classification (germline): Uncertain significance (1 of 4 stars; one submission).

Submission:

Labcorp Genetics (formerly Invitae), Labcorp
Classification: Uncertain significance. Last evaluated: 2023-01-28. Review status: criteria provided, single submitter. Criteria: Invitae Variant Classification Sherloc (09022015). Collection method: clinical testing. Allele origin: unknown.
Comment: In summary, the available evidence is currently insufficient to determine the role of this variant in disease. Therefore, it has been classified as a Variant of Uncertain Significance. Experimental studies and prediction algorithms are not available or were not evaluated, and the functional significance of this variant is currently unknown. This variant has not been reported in the literature in individuals affected with VAV1-related conditions. This variant results in a copy number gain of the genomic region encompassing exon(s) 2-21 of the VAV1 gene. While the exact position of this variant cannot be determined from the data, sub-genic copy number gains are generally in tandem (PMID: 25640679). This variant is predicted to be in-frame, and likely preserves the integrity of the reading frame.

Literature cited by the submitters: PubMed 25640679.

NC_000019.9:g.(?_6820693)_(6837081_?)dup

Gene: VAV1 (vav guanine nucleotide exchange factor 1; plus strand). Cytogenetic location: 19p13.3.
Variant type: Duplication.
Identifiers: ClinVar variation 3242687 (VCV003242687.1).